The following is an entry in ClinVar:

ClinVar aggregate classification (germline): Uncertain significance (1 of 4 stars; one submission).

Conditions:
Hereditary cancer-predisposing syndrome. Also called: Tumor predisposition; Hereditary Cancer Syndrome; Hereditary neoplastic syndrome; Neoplastic Syndromes, Hereditary. Identifiers: Orphanet 140162, MedGen C0027672, MeSH D009386, MONDO:0015356.

Submission:

Ambry Genetics
Classification: Uncertain significance for Hereditary cancer-predisposing syndrome. Last evaluated: 2025-12-22. Review status: criteria provided, single submitter. Criteria: Ambry Variant Classification Scheme 2023. Collection method: clinical testing. Allele origin: germline.
Comment: The p.T154N variant (also known as c.461C>A), located in coding exon 4 of the SUFU gene, results from a C to A substitution at nucleotide position 461. The threonine at codon 154 is replaced by asparagine, an amino acid with similar properties. This amino acid position is conserved. In addition, the in silico prediction for this alteration is inconclusive. Based on the available evidence, the clinical significance of this variant remains unclear.

NM_016169.4(SUFU):c.461C>A (p.Thr154Asn)

Gene: SUFU (SUFU negative regulator of hedgehog signaling; plus strand). Cytogenetic location: 10q24.32.
Variant type: single nucleotide variant.
Coding change: c.461C>A on transcript NM_016169.4 (MANE Select); coding-DNA position 461, C replaced by A.
Protein change: p.Thr154Asn; replaces threonine 154 with asparagine.
Molecular consequence: missense variant.
Genome position (GRCh38, 1-based): chr10:102,592,588, C>A. VCF-style: chr10-102592588-C-A. GRCh37 (hg19) VCF-style: chr10-104352345-C-A.
Other names: c.461C>A, p.Thr154Asn (NM_001178133.2); short protein forms T154N.
Identifiers: ClinVar variation 1741941 (VCV001741941.3), dbSNP rs2545080852, ClinGen allele CA377908034.